The following is an entry in ClinVar:

NM_003200.5(TCF3):c.1169_1170insAA (p.Ser391fs)

Gene: TCF3 (transcription factor 3; minus strand). Cytogenetic location: 19p13.3.
Variant type: Insertion.
Coding change: c.1169_1170insAA on transcript NM_003200.5 (MANE Select); coding-DNA positions 1169 to 1170, AA inserted.
Protein change: p.Ser391fs; shifts the reading frame from serine 391.
Molecular consequence: frameshift variant. On other transcripts: splice acceptor variant (1).
Genome position: GRCh38 VCF-style: chr19-1619472-C-CTT. GRCh37 (hg19) VCF-style: chr19-1619471-C-CTT.
Other names: c.1169_1170insAA, p.Ser391fs (NM_001136139.4, NM_001351779.2); c.1168-2_1168-1insAA (NM_001351778.2); short protein forms S391fs.
Identifiers: ClinVar variation 2020729 (VCV002020729.4), dbSNP rs2513492691, ClinGen allele CA2580096082.

ClinVar aggregate classification (germline): Pathogenic (1 of 4 stars; one submission).

Submission:

Labcorp Genetics (formerly Invitae), Labcorp
Classification: Pathogenic. Last evaluated: 2024-08-14. Review status: criteria provided, single submitter. Criteria: Invitae Variant Classification Sherloc (09022015). Collection method: clinical testing. Allele origin: germline.
Comment: This sequence change creates a premature translational stop signal (p.Ser391Argfs*4) in the TCF3 gene. It is expected to result in an absent or disrupted protein product. Loss-of-function variants in TCF3 are known to be pathogenic (PMID: 24216514, 30063982, 37277074). This variant is not present in population databases (gnomAD no frequency). This variant has not been reported in the literature in individuals affected with TCF3-related conditions. ClinVar contains an entry for this variant (Variation ID: 2020729). For these reasons, this variant has been classified as Pathogenic.

Literature cited by the submitters: PubMed 24216514; PubMed 30063982; PubMed 37277074.